The following is an entry in ClinVar:

NM_002471.4(MYH6):c.5575G>C (p.Asp1859His)

Gene: MYH6 (myosin heavy chain 6; minus strand). Cytogenetic location: 14q11.2.
Variant type: single nucleotide variant.
Coding change: c.5575G>C on transcript NM_002471.4 (MANE Select); coding-DNA position 5575, G replaced by C.
Protein change: p.Asp1859His; replaces aspartic acid 1859 with histidine.
Molecular consequence: missense variant.
Genome position (GRCh38, 1-based): chr14:23,383,311, C>G on the plus strand (G>C on the coding strand, the complement: MYH6 is on the minus strand). VCF-style: chr14-23383311-C-G. GRCh37 (hg19) VCF-style: chr14-23852520-C-G.
Other names: short protein forms D1859H.
Identifiers: ClinVar variation 3658595 (VCV003658595.2).

ClinVar aggregate classification (germline): Uncertain significance (1 of 4 stars; one submission).

Conditions:
Hypertrophic cardiomyopathy 14. Identifiers: MedGen C2750467, MONDO:0013197, OMIM 613251.

Submission:

Labcorp Genetics (formerly Invitae), Labcorp
Classification: Uncertain significance for Hypertrophic cardiomyopathy 14. Last evaluated: 2024-07-03. Review status: criteria provided, single submitter. Criteria: Invitae Variant Classification Sherloc (09022015). Collection method: clinical testing. Allele origin: germline.
Comment: This sequence change replaces aspartic acid, which is acidic and polar, with histidine, which is basic and polar, at codon 1859 of the MYH6 protein (p.Asp1859His). This variant is not present in population databases (gnomAD no frequency). This variant has not been reported in the literature in individuals affected with MYH6-related conditions. Advanced modeling of protein sequence and biophysical properties (such as structural, functional, and spatial information, amino acid conservation, physicochemical variation, residue mobility, and thermodynamic stability) performed at Invitae indicates that this missense variant is expected to disrupt MYH6 protein function with a positive predictive value of 80%. In summary, the available evidence is currently insufficient to determine the role of this variant in disease. Therefore, it has been classified as a Variant of Uncertain Significance.